The following is an entry in ClinVar:

NM_000138.5(FBN1):c.8267G>T (p.Trp2756Leu)

Gene: FBN1 (fibrillin 1; minus strand). Cytogenetic location: 15q21.1.
Variant type: single nucleotide variant.
Coding change: c.8267G>T on transcript NM_000138.5 (MANE Select); coding-DNA position 8267, G replaced by T.
Protein change: p.Trp2756Leu; replaces tryptophan 2756 with leucine.
Molecular consequence: missense variant.
Genome position (GRCh38, 1-based): chr15:48,411,339, C>A on the plus strand (G>T on the coding strand, the complement: FBN1 is on the minus strand). VCF-style: chr15-48411339-C-A. GRCh37 (hg19) VCF-style: chr15-48703536-C-A.
Other names: short protein forms W2756L.
Identifiers: ClinVar variation 927741 (VCV000927741.5), dbSNP rs397515861, ClinGen allele CA392320030.
Genomic context (GRCh38, chr15:48,411,339, plus strand): 5'-CGAACCTTGTTACTGACGTGGGAAATATTGAAAGCAAAGATGGCTGTCTTCTCAACATCC[C>A]AACTTGCAAGACTCACATTGGCTTCTGTCTCAGACTGATCCTGGAAAGACACATGGCAAT-3'
Protein context (NP_000129.3, residues 2746-2766): ETEANVSLAS[Trp2756Leu]DVEKTAIFAF

ClinVar aggregate classification (germline): Uncertain significance (1 of 4 stars; one submission).

Conditions:
Familial thoracic aortic aneurysm and aortic dissection (TAAD). Also called: Thoracic aortic aneurysms and dissections. Identifiers: Orphanet 91387, MedGen C4707243, MONDO:0019625.

Allele frequency attached by ClinVar (database versions not stated): gnomAD exomes below 0.00001.
gnomAD v4.1: 1 of 1,614,030 alleles (0.000062%); highest among the groups gnomAD compares: Non-Finnish European, 0.000085%; no homozygotes.

Submission:

Color Diagnostics, LLC DBA Color Health
Classification: Uncertain significance for Familial thoracic aortic aneurysm and aortic dissection. Last evaluated: 2023-12-04. Review status: criteria provided, single submitter. Criteria: ACMG Guidelines, 2015. Collection method: clinical testing. Allele origin: germline.
Comment: Variant of Uncertain Significance due to insufficient evidence: This missense variant replaces tryptophan with leucine at codon 2756 of the FBN1 protein. Computational prediction tools and conservation analyses are inconclusive regarding the impact of this variant on the protein function. Computational splicing tools suggest that this variant may not impact RNA splicing. To our knowledge, functional assays have not been performed for this variant nor has this variant been reported in individuals affected with cardiovascular disorders in the literature. This variant is rare in the general population and has been identified in 0/277264 chromosomes by the Genome Aggregation Database (gnomAD). Available evidence is insufficient to determine the role of this variant in disease conclusively.